The following is an entry in ClinVar:

NM_000535.7(PMS2):c.1A>C (p.Met1Leu)

Gene: PMS2 (PMS1 homolog 2, mismatch repair system component; minus strand). Cytogenetic location: 7p22.1.
Variant type: single nucleotide variant.
Coding change: c.1A>C on transcript NM_000535.7 (MANE Select); coding-DNA position 1, A replaced by C.
Protein change: p.Met1Leu; changes the start codon (methionine 1).
Molecular consequence: missense variant, initiator codon variant. On other transcripts: 5 prime UTR variant (11), non-coding transcript variant (1).
Genome position (GRCh38, 1-based): chr7:6,009,019, T>G on the plus strand (A>C on the coding strand, the complement: PMS2 is on the minus strand). VCF-style: chr7-6009019-T-G. GRCh37 (hg19) VCF-style: chr7-6048650-T-G.
Other names: c.-400A>C (NM_001322003.2, NM_001322013.2); c.-265A>C (NM_001322004.2, NM_001322010.2); c.-595A>C (NM_001322005.2); c.1A>C, p.Met1Leu (NM_001322006.2, NM_001322014.2); c.-215A>C (NM_001322007.2); c.-75A>C (NM_001322008.2); c.-590A>C (NM_001322009.2); c.-884A>C (NM_001322011.2); and 3 more; short protein forms M1L.
Identifiers: ClinVar variation 820477 (VCV000820477.21), dbSNP rs587779333, ClinGen allele CA366745252.

ClinVar aggregate classification (germline): Pathogenic/Likely pathogenic. Review status: criteria provided, multiple submitters, no conflicts (2 of 4 stars). 6 submissions from 6 submitters: Pathogenic (4); Likely pathogenic (2). Last evaluated 2025-12-11.

Conditions:
Hereditary nonpolyposis colorectal neoplasms. Identifiers: MedGen C0009405, MeSH D003123.
Hereditary nonpolyposis colon cancer (HNPCC). Also called: Hereditary nonpolyposis colorectal cancer; Familial nonpolyposis colon cancer; Hereditary Nonpolyposis Colorectal Cancer Syndrome. Identifiers: Orphanet 443909, MedGen C1333990, MONDO:0018630. Disease mechanism: loss of function.
Hereditary cancer-predisposing syndrome. Also called: Neoplastic Syndromes, Hereditary; Tumor predisposition; Hereditary Cancer Syndrome; Hereditary neoplastic syndrome. Identifiers: Orphanet 140162, MedGen C0027672, MeSH D009386, MONDO:0015356.
Lynch syndrome 4 (LYNCH4). Also called: Colorectal cancer, hereditary nonpolyposis, type 4; Hereditary non-polyposis colorectal cancer, type 4. Identifiers: Orphanet 144, MedGen C1838333, MONDO:0013699, OMIM 614337. Disease mechanism: loss of function.

Submissions (6):

Ambry Genetics
Classification: Pathogenic for Hereditary cancer-predisposing syndrome. Last evaluated: 2025-12-11. Review status: criteria provided, single submitter. Criteria: Ambry Variant Classification Scheme 2023. Collection method: clinical testing. Allele origin: germline.
Comment: The p.M1? pathogenic mutation (also known as c.1A>C) is located in coding exon 1 of the PMS2 gene and results from an A to C substitution at nucleotide position 1. This alters the methionine residue at the initiation codon (ATG). Other alterations impacting the PMS2 initiation codon have been reported in individuals with early-onset, Lynch syndrome-associated malignancies and tumors demonstrating isolated loss of PMS2 staining by immunohistochemistry (IHC) (Senter et al. Gastroenterology. 2008 Aug;135(2):419-28; Borr&agrave;s E, J. Med. Genet. 2013 Aug; 50(8):552-63). In addition to the clinical data presented in the literature, sequence variations that modify the initiation codon are expected to result in either loss of translation initiation, N-terminal truncation, or cause a shift in the mRNA reading frame. Based on the supporting evidence, this alteration is interpreted as a disease-causing mutation.

GeneDx
Classification: Pathogenic. Last evaluated: 2025-09-15. Review status: criteria provided, single submitter. Criteria: GeneDx Variant Classification Process June 2021. Collection method: clinical testing. Allele origin: germline. Affected: yes.
Comment: Initiation codon variant in a gene for which loss of function is a known mechanism of disease; Not observed at significant frequency in large population cohorts (gnomAD); This variant is associated with the following publications: (PMID: 38654521, 18602922, 23709753, 27476653, 28466842)

Labcorp Genetics (formerly Invitae), Labcorp
Classification: Pathogenic for Hereditary nonpolyposis colorectal neoplasms. Last evaluated: 2024-07-21. Review status: criteria provided, single submitter. Criteria: Invitae Variant Classification Sherloc (09022015). Collection method: clinical testing. Allele origin: germline.
Comment: This sequence change affects the initiator methionine of the PMS2 mRNA. The next in-frame methionine is located at codon 136. This variant is present in population databases (no rsID available, gnomAD 0.03%). Disruption of the initiator codon has been observed in individuals with PMS2-related conditions (PMID: 18602922, 20487569, 23709753; Invitae). ClinVar contains an entry for this variant (Variation ID: 820477). For these reasons, this variant has been classified as Pathogenic.

Women's Health and Genetics/Laboratory Corporation of America, LabCorp
Classification: Likely pathogenic for Hereditary nonpolyposis colon cancer. Last evaluated: 2023-09-18. Review status: criteria provided, single submitter. Criteria: LabCorp Variant Classification Summary - May 2015. Collection method: clinical testing. Allele origin: germline.
Comment: Variant summary: PMS2 c.1A>C (p.Met1Leu) alters the initiation codon and is predicted to result either in absence of the protein or truncation of the encoded protein due to translation initiation at a downstream codon. Two of three in-silico tools predict a benign effect of the variant on protein function. The next downstream in-frame ATG start site is at codon 136 (Exon 5). Other variants impacting the PMS2 initiation codon, including c.1A>G (p.Met1Val), c.2T>C (p.Met1Thr), and c.2T>A (p.Met1Lys), as well as missense and truncating variants upstream of the potential new initiation codon have been classified as pathogenic by our lab and in ClinVar, and reported in association with Lynch syndrome-associated cancers in HGMD. The variant was absent in 250222 control chromosomes (gnomAD). To our knowledge, no occurrence of c.1A>C in individuals affected with Lynch Syndrome and no experimental evidence demonstrating its impact on protein function have been reported. Three submitters have reported clinical-significance assessments for this variant to ClinVar after 2014. All submitters classified the variant as pathogenic/likely pathogenic. Based on the evidence outlined above, the variant was classified as likely pathogenic.

Myriad Genetics, Inc.
Classification: Pathogenic for Lynch syndrome 4. Last evaluated: 2023-09-15. Review status: criteria provided, single submitter. Criteria: Myriad Autosomal Dominant, Autosomal Recessive and X-Linked Classification Criteria (2023). Collection method: clinical testing. Allele origin: unknown.
Comment: This variant is considered pathogenic. This variant is located within the gene translation start codon (p.Met1?) and is predicted to result in abnormal protein translation. This variant has been reported in multiple individuals with clinical features of gene-specific disease [PMID: 30680046, 27476653, 18602922].

Quest Diagnostics Nichols Institute San Juan Capistrano
Classification: Likely pathogenic. Last evaluated: 2023-01-13. Review status: criteria provided, single submitter. Criteria: Quest Diagnostics criteria. Collection method: clinical testing. Allele origin: unknown.
Comment: This variant disrupts the translation initiation codon of the PMS2 mRNA and is predicted to interfere with PMS2 protein synthesis. The frequency of this variant in the general population, 0.000032 (1/31402 chromosomes), is uninformative in assessment of its pathogenicity. In the published literature, the variant has not been reported in individuals with a PMS2-related disorder. However, other start loss variants affecting the same codon have been reported in affected patients with suspected Lynch Syndrome (PMIDs: 18602922 (2008), 23709753 (2014), 27742654 (2017), and 28466842 (2017)). Based on the available information, this variant is classified as likely pathogenic.

Literature cited by the submitters: PubMed 18602922 (cited by 3 submitters); PubMed 23709753 (cited by Ambry Genetics and Labcorp Genetics (formerly Invitae), Labcorp); PubMed 20487569 (cited by Labcorp Genetics (formerly Invitae), Labcorp); PubMed 30680046 (cited by Myriad Genetics, Inc.); PubMed 27476653 (cited by Myriad Genetics, Inc.); PubMed 27742654 (cited by Quest Diagnostics Nichols Institute San Juan Capistrano).